The following is an entry in ClinVar:

NM_207361.6(FREM2):c.6201T>A (p.Asn2067Lys)

Gene: FREM2 (FRAS1 related extracellular matrix 2; plus strand). Cytogenetic location: 13q13.3.
Variant type: single nucleotide variant.
Coding change: c.6201T>A on transcript NM_207361.6 (MANE Select); coding-DNA position 6201, T replaced by A.
Protein change: p.Asn2067Lys; replaces asparagine 2067 with lysine.
Molecular consequence: missense variant.
Genome position (GRCh38, 1-based): chr13:38,848,492, T>A. VCF-style: chr13-38848492-T-A. GRCh37 (hg19) VCF-style: chr13-39422629-T-A.
Other names: c.6201T>A (NM_207361.4); short protein forms N2067K.
Identifiers: ClinVar variation 1524852 (VCV001524852.7), dbSNP rs114229197, ClinGen allele CA6955491.

ClinVar aggregate classification (germline): Conflicting classifications of pathogenicity. Review status: criteria provided, conflicting classifications (1 of 4 stars). 3 submissions from 3 submitters: Uncertain significance (2); Likely benign (1). Last evaluated 2024-09-20.

Conditions:
Fraser syndrome 2 (FRASRS2). Identifiers: MedGen C4540036, MONDO:0054738, OMIM 617666.
Isolated cryptophthalmia. Also called: Cryptophthalmos, unilateral or bilateral, isolated; ANKYLOBLEPHARON, SIMPLE. Identifiers: Orphanet 91396, MedGen C1852453, MONDO:0007410, OMIM 123570.
Inborn genetic diseases. Identifiers: MedGen C0950123, MeSH D030342.

Allele frequency attached by ClinVar (database versions not stated): ESP Exome Variant Server 0.00015; 1000 Genomes Project 30x 0.00016; 1000 Genomes Project 0.00020; gnomAD 0.00042; TOPMed 0.00053.
gnomAD v4.1: 156 of 1,614,048 alleles (0.0097%); highest among the groups gnomAD compares: African/African-American, 0.16%; no homozygotes.

Submissions (3):

3billion
Classification: Likely benign for Isolated cryptophthalmia; Fraser syndrome 2. Last evaluated: 2024-09-20. Review status: criteria provided, single submitter. Criteria: ACMG Guidelines, 2015. Collection method: clinical testing. Allele origin: germline. Affected: no.
Comment: The homozygous variant was found in patients diagnosed with another variant in a different gene, with no symptoms related to the gene containing the homozygous variant.

Ambry Genetics
Classification: Uncertain significance for Inborn genetic diseases. Last evaluated: 2024-04-23. Review status: criteria provided, single submitter. Criteria: Ambry Variant Classification Scheme 2023. Collection method: clinical testing. Allele origin: germline.

Labcorp Genetics (formerly Invitae), Labcorp
Classification: Uncertain significance. Last evaluated: 2022-03-26. Review status: criteria provided, single submitter. Criteria: Invitae Variant Classification Sherloc (09022015). Collection method: clinical testing. Allele origin: germline.
Comment: This sequence change replaces asparagine, which is neutral and polar, with lysine, which is basic and polar, at codon 2067 of the FREM2 protein (p.Asn2067Lys). This variant is present in population databases (rs114229197, gnomAD 0.2%). This variant has not been reported in the literature in individuals affected with FREM2-related conditions. Algorithms developed to predict the effect of missense changes on protein structure and function are either unavailable or do not agree on the potential impact of this missense change (SIFT: "Deleterious"; PolyPhen-2: "Benign"; Align-GVGD: "Class C0"). In summary, the available evidence is currently insufficient to determine the role of this variant in disease. Therefore, it has been classified as a Variant of Uncertain Significance.